The following is an entry in ClinVar:

ClinVar aggregate classification (germline): Benign. Review status: criteria provided, multiple submitters, no conflicts (2 of 4 stars). 6 submissions from 6 submitters: Benign (5). 1 of the submissions does not count toward it. Last evaluated 2026-02-04.

Conditions:
LRRC56-related disorder. Also called: LRRC56-related condition.
Ciliary dyskinesia, primary, 39. Also called: CILIARY DYSKINESIA, PRIMARY, 39, WITH OR WITHOUT SITUS INVERSUS. Identifiers: MedGen C4748841, MONDO:0032637, OMIM 618254.

Allele frequency attached by ClinVar (database versions not stated): ESP Exome Variant Server 0.76423; gnomAD 0.77229 and 0.77628; TOPMed 0.77282; 1000 Genomes Project 30x 0.77561; 1000 Genomes Project 0.78115; ExAC 0.81197; gnomAD exomes 0.81823 and 0.82249.
gnomAD v4.1: 1,318,854 of 1,612,708 alleles (82%); highest among the groups gnomAD compares: East Asian, 93%; 541,293 homozygotes.

Submissions (6):

Labcorp Genetics (formerly Invitae), Labcorp
Classification: Benign. Last evaluated: 2026-02-04. Review status: criteria provided, single submitter. Criteria: Invitae Variant Classification Sherloc (09022015). Collection method: clinical testing. Allele origin: germline.

Blueprint Genetics
Classification: Benign. Last evaluated: 2024-11-27. Review status: criteria provided, single submitter. Criteria: ACMG Guidelines, 2015. Collection method: clinical testing. Allele origin: germline.

Genome-Nilou Lab
Classification: Benign for Ciliary dyskinesia, primary, 39. Last evaluated: 2021-08-19. Review status: criteria provided, single submitter. Criteria: ACMG Guidelines, 2015. Collection method: clinical testing. Allele origin: germline. Affected: no.

GeneDx
Classification: Benign. Last evaluated: 2021-05-04. Review status: criteria provided, single submitter. Criteria: GeneDx Variant Classification Process June 2021. Collection method: clinical testing. Allele origin: germline. Affected: yes.

Breakthrough Genomics
Classification: Benign. Review status: criteria provided, single submitter. Criteria: ACMG Guidelines, 2015. Collection method: not provided. Allele origin: germline. Inheritance: Autosomal recessive inheritance. Affected: yes.

PreventionGenetics, part of Exact Sciences
Classification: Benign for LRRC56-related condition. Last evaluated: 2019-10-17. Review status: no assertion criteria provided. Collection method: clinical testing. Allele origin: germline. Not counted in ClinVar's aggregate classification.
Comment: This variant is classified as benign based on ACMG/AMP sequence variant interpretation guidelines (Richards et al. 2015 PMID: 25741868, with internal and published modifications).

NM_198075.4(LRRC56):c.384C>T (p.Leu128=)

Gene: LRRC56 (leucine rich repeat containing 56; plus strand). Cytogenetic location: 11p15.5.
Variant type: single nucleotide variant.
Coding change: c.384C>T on transcript NM_198075.4 (MANE Select); coding-DNA position 384, C replaced by T.
Protein change: p.Leu128=; no amino-acid change (leucine 128 retained).
Molecular consequence: synonymous variant.
Genome position (GRCh38, 1-based): chr11:549,959, C>T. VCF-style: chr11-549959-C-T. GRCh37 (hg19) VCF-style: chr11-549959-C-T.
Identifiers: ClinVar variation 1252876 (VCV001252876.16), dbSNP rs7942030, ClinGen allele CA5779678.